The following is an entry in ClinVar:

ClinVar aggregate classification (germline): Likely pathogenic. Review status: criteria provided, multiple submitters, no conflicts (2 of 4 stars). 2 submissions from 2 submitters: Likely pathogenic (2). Last evaluated 2026-07-01.

Conditions:
Glycogen storage disease, type II (IOPD). Also called: Pompe Disease; CARDIOMEGALIA GLYCOGENICA DIFFUSA; GLYCOGENOSIS, GENERALIZED, CARDIAC FORM; GSD II; POMPE DISEASE, INFANTILE-ONSET; GLYCOGEN STORAGE DISEASE II, INFANTILE-ONSET. Identifiers: Orphanet 365, MedGen C0017921, MONDO:0009290, OMIM 232300.

Submissions (2):

Genomenon, Inc
Classification: Likely pathogenic for Glycogen storage disease, type II. Last evaluated: 2026-07-01. Review status: criteria provided, single submitter. Criteria: Genomenon Sequence Variant Interpretation Standards - Updated. Collection method: curation. Allele origin: germline. Affected: yes.
Comment: GAA p.His674Gln (c.2022C>G) is a missense variant that changes the amino acid at codon 674 from Histidine to Glutamine. This variant has been observed in at least one proband with a GAA-related disorder in the compound heterozygous and/or homozygous state (PMID:33741225;33301762). The variant is located in a mutational hotspot and/or important functional domain. It is absent or not present at a significant frequency in gnomAD. In silico models predict that this variant is possibly or probably damaging. In conclusion, we classify GAA p.His674Gln (c.2022C>G) as a likely pathogenic variant.

Natera, Inc.
Classification: Likely pathogenic for Glycogen storage disease type II. Last evaluated: 2025-01-06. Review status: criteria provided, single submitter. Criteria: Natera Variant Classification Schema (03/2026). Collection method: clinical testing. Allele origin: germline.
Comment: The c.2022C>G variant in GAA is a missense variant predicted to cause substitution of histidine to glutamine at amino acid 674. This variant is rare in the general population with a frequency below the threshold expected for the associated phenotype(s). This variant has been observed in one or more individuals affected with the associated recessive disease, as either homozygous or compound heterozygous with a second variant (PMID: 33301762, 33741225). This variant has been identified in one or more affected individuals with a phenotype highly consistent with the associated gene (PMID: 33741225). This variant is located in a functionally critical region of the protein. Computational prediction algorithms indicate this variant is likely to affect gene or protein function. Given the available evidence, this variant is classified as Likely Pathogenic.

Literature cited by the submitters: PubMed 33741225 (cited by Genomenon, Inc and Natera, Inc.); PubMed 33301762 (cited by Genomenon, Inc and Natera, Inc.).

NM_000152.5(GAA):c.2022C>G (p.His674Gln)

Gene: GAA (alpha glucosidase; plus strand). Cytogenetic location: 17q25.3.
Variant type: single nucleotide variant.
Coding change: c.2022C>G on transcript NM_000152.5 (MANE Select); coding-DNA position 2022, C replaced by G.
Protein change: p.His674Gln; replaces histidine 674 with glutamine.
Molecular consequence: missense variant.
Genome position (GRCh38, 1-based): chr17:80,113,009, C>G. VCF-style: chr17-80113009-C-G. GRCh37 (hg19) VCF-style: chr17-78086808-C-G.
Other names: c.2022C>G, p.His674Gln (NM_001079803.3, NM_001079804.3, NM_001406741.1 and 1 more transcripts); short protein forms H674Q.
Identifiers: ClinVar variation 4817587 (VCV004817587.2).